The following is an entry in ClinVar:

NM_000038.6(APC):c.1759del (p.Ser587fs)

Gene: APC (APC regulator of Wnt signaling pathway; plus strand). Cytogenetic location: 5q22.2.
Variant type: Deletion.
Coding change: c.1759del on transcript NM_000038.6 (MANE Select); coding-DNA position 1759, one base deleted (A; older notation c.1759delA).
Protein change: p.Ser587fs; shifts the reading frame from serine 587.
Molecular consequence: frameshift variant.
Genome position (GRCh38, 1-based): chr5:112,834,966, A deleted; the last of 4 consecutive A bases (chr5:112,834,963-112,834,966); deleting any one gives the same sequence. VCF-style (leftmost placement, unchanged base first): chr5-112834962-CA-C. GRCh37 (hg19) VCF-style: chr5-112170659-CA-C.
Other names: c.910del, p.Ser304fs (NM_001354906.2); c.1759del, p.Ser587fs (NM_001127510.3, NM_001354895.2); c.1705del, p.Ser569fs (NM_001127511.3); c.1813del, p.Ser605fs (NM_001354896.2); c.1789del, p.Ser597fs (NM_001354897.2); c.1684del, p.Ser562fs (NM_001354898.2); c.1675del, p.Ser559fs (NM_001354899.2); c.1636del, p.Ser546fs (NM_001354900.2); and 5 more; short protein forms S528fs, S559fs, S587fs, S597fs, S605fs, S427fs, S486fs, S546fs.
Identifiers: ClinVar variation 469718 (VCV000469718.14), dbSNP rs1554083100, ClinGen allele CA445758382.
Genomic context (GRCh38, chr5:112,834,962, plus strand): 5'-AGACAAATTCCAACTCTAATTAGATGACCCATATTCTGTTTCTTACTAGGAATCAACCCT[CA>C]AAAGCGTATTGAGTGCCTTATGGAATTTGTCAGCACATTGCACTGAGAATAAAGCTGATA-3'

ClinVar aggregate classification (germline): Pathogenic. Review status: criteria provided, multiple submitters, no conflicts (2 of 4 stars). 3 submissions from 3 submitters: Pathogenic (3). Last evaluated 2024-06-12.

Conditions:
Hereditary cancer-predisposing syndrome. Also called: Hereditary neoplastic syndrome; Neoplastic Syndromes, Hereditary; Tumor predisposition; Hereditary Cancer Syndrome. Identifiers: Orphanet 140162, MedGen C0027672, MeSH D009386, MONDO:0015356.
Familial adenomatous polyposis 1 (FAP1). Also called: POLYPOSIS, ADENOMATOUS INTESTINAL; FAMILIAL ADENOMATOUS POLYPOSIS 1, ATTENUATED. Identifiers: MedGen C2713442, MONDO:0021056, OMIM 175100. Disease mechanism: loss of function.

Submissions (3):

Ambry Genetics
Classification: Pathogenic for Hereditary cancer-predisposing syndrome. Last evaluated: 2024-06-12. Review status: criteria provided, single submitter. Criteria: Ambry Variant Classification Scheme 2023. Collection method: clinical testing. Allele origin: germline.
Comment: The c.1759delA pathogenic mutation, located in coding exon 14 of the APC gene, results from a deletion of one nucleotide at nucleotide position 1759, causing a translational frameshift with a predicted alternate stop codon (p.S587Afs*3). This pathogenic mutation has been reported as both a germline and a somatic mutation in an individual with FAP (Miyaki M et al. Cancer Res, 1994 Jun;54:3011-20; Miyaki M et al. Int. J. Cancer, 2008 Jun;122:2491-7). This variant is considered to be rare based on population cohorts in the Genome Aggregation Database (gnomAD). In addition to the clinical data presented in the literature, This alteration is expected to result in loss of function by premature protein truncation or nonsense-mediated mRNA decay. As such, this alteration is interpreted as a disease-causing mutation.

Myriad Genetics, Inc.
Classification: Pathogenic for Familial adenomatous polyposis 1. Last evaluated: 2023-05-03. Review status: criteria provided, single submitter. Criteria: Myriad Autosomal Dominant, Autosomal Recessive and X-Linked Classification Criteria (2023). Collection method: clinical testing. Allele origin: unknown.
Comment: This variant is considered pathogenic. This variant creates a frameshift predicted to result in premature protein truncation.

Labcorp Genetics (formerly Invitae), Labcorp
Classification: Pathogenic for Familial adenomatous polyposis 1. Last evaluated: 2017-10-06. Review status: criteria provided, single submitter. Criteria: Invitae Variant Classification Sherloc (09022015). Collection method: clinical testing. Allele origin: germline.
Comment: This sequence change creates a premature translational stop signal (p.Ser587Alafs*3) in the APC gene. It is expected to result in an absent or disrupted protein product. For these reasons, this variant has been classified as Pathogenic. Loss-of-function variants in APC are known to be pathogenic (PMID: 17963004, 20685668). This variant has been reported in an individual affected with familial adenomatous polyposis (FAP) (PMID: 18224684). This variant is not present in population databases (ExAC no frequency).

Literature cited by the submitters: PubMed 18224684 (cited by Ambry Genetics and Labcorp Genetics (formerly Invitae), Labcorp); PubMed 8187091 (cited by Ambry Genetics); PubMed 17963004 (cited by Labcorp Genetics (formerly Invitae), Labcorp); PubMed 20685668 (cited by Labcorp Genetics (formerly Invitae), Labcorp).